The following is an entry in ClinVar:

NM_001130987.2(DYSF):c.3266_3289dup (p.Lys1096_Phe1097insTyrAlaSerLeuPheGlyTrpLys)

Gene: DYSF (dysferlin; plus strand). Cytogenetic location: 2p13.2.
Variant type: Duplication.
Coding change: c.3266_3289dup on transcript NM_001130987.2 (MANE Select); coding-DNA positions 3266 to 3289, 24 bases duplicated (ACGCCTCTCTTTTTGGCTGGAAGT).
Protein change: p.Lys1096_Phe1097insTyrAlaSerLeuPheGlyTrpLys.
Molecular consequence: inframe insertion.
Genome position (GRCh38, 1-based): chr2:71,574,235-71,574,258, ACGCCTCTCTTTTTGGCTGGAAGT duplicated; duplicating any 24 consecutive bases within chr2:71,574,232-71,574,258 gives the same sequence; the c. name uses the placement nearest the transcript's 3' end. VCF-style (leftmost placement, unchanged base first): chr2-71574231-G-GAGTACGCCTCTCTTTTTGGCTGGA. GRCh37 (hg19) VCF-style: chr2-71801361-G-GAGTACGCCTCTCTTTTTGGCTGGA.
Other names: c.3215_3238dup, p.Lys1079_Phe1080insTyrAlaSerLeuPheGlyTrpLys (NM_001130455.2, NM_001130983.2); c.3170_3193dup, p.Lys1064_Phe1065insTyrAlaSerLeuPheGlyTrpLys (NM_001130976.2, NM_001130977.2); c.3212_3235dup, p.Lys1078_Phe1079insTyrAlaSerLeuPheGlyTrpLys (NM_001130978.2, NM_003494.4); c.3305_3328dup, p.Lys1109_Phe1110insTyrAlaSerLeuPheGlyTrpLys (NM_001130979.2); c.3263_3286dup, p.Lys1095_Phe1096insTyrAlaSerLeuPheGlyTrpLys (NM_001130980.2, NM_001130981.2); c.3308_3331dup, p.Lys1110_Phe1111insTyrAlaSerLeuPheGlyTrpLys (NM_001130982.2); c.3173_3196dup, p.Lys1065_Phe1066insTyrAlaSerLeuPheGlyTrpLys (NM_001130984.2, NM_001130986.2); c.3266_3289dup, p.Lys1096_Phe1097insTyrAlaSerLeuPheGlyTrpLys (NM_001130985.2).
Identifiers: ClinVar variation 5003917 (VCV005003917.1).

ClinVar aggregate classification (germline): Uncertain significance (1 of 4 stars; one submission).

Conditions:
Autosomal recessive limb-girdle muscular dystrophy. Identifiers: Orphanet 102015, MedGen C2931907, MONDO:0015152.

Submission:

Myriad Genetics, Inc.
Classification: Uncertain significance for Autosomal recessive limb-girdle muscular dystrophy. Last evaluated: 2026-02-17. Review status: criteria provided, single submitter. Criteria: Myriad Autosomal Dominant, Autosomal Recessive and X-Linked Classification Criteria (2023). Collection method: clinical testing. Allele origin: unknown.
Comment: NM_003494.3(DYSF):c.3212_3235dup24(Y1071_K1078dup) is an in-frame insertion classified as a variant of uncertain significance in the context of dysferlinopathy. Y1071_K1078dup has not been observed in cases with relevant disease. Relevant functional assessments of this variant are not available in the literature. Y1071_K1078dup has not been observed in referenced population frequency databases. In summary, there is insufficient evidence to classify NM_003494.3(DYSF):c.3212_3235dup24(Y1071_K1078dup) as pathogenic or benign. Please note: this variant was assessed in the context of healthy population screening.